The following is an entry in ClinVar:

NM_001377.3(DYNC2H1):c.2105del (p.Lys702fs)

Gene: DYNC2H1 (dynein cytoplasmic 2 heavy chain 1; plus strand). Cytogenetic location: 11q22.3.
Variant type: Deletion.
Coding change: c.2105del on transcript NM_001377.3 (MANE Select); coding-DNA position 2105, one base deleted (A; older notation c.2105delA).
Protein change: p.Lys702fs; shifts the reading frame from lysine 702.
Molecular consequence: frameshift variant.
Genome position (GRCh38, 1-based): chr11:103,133,706, A deleted; the last of 4 consecutive A bases (chr11:103,133,703-103,133,706); deleting any one gives the same sequence. VCF-style (leftmost placement, unchanged base first): chr11-103133702-GA-G. GRCh37 (hg19) VCF-style: chr11-103004431-GA-G.
Other names: c.2105del, p.Lys702fs (NM_001080463.2); short protein forms K702fs.
Identifiers: ClinVar variation 3598863 (VCV003598863.2).

ClinVar aggregate classification (germline): Pathogenic/Likely pathogenic. Review status: criteria provided, multiple submitters, no conflicts (2 of 4 stars). 2 submissions from 2 submitters: Pathogenic (1); Likely pathogenic (1). Last evaluated 2025-10-28.

Conditions:
Asphyxiating thoracic dystrophy 3. Also called: SHORT-RIB THORACIC DYSPLASIA 3 WITH OR WITHOUT POLYDACTYLY; POLYDACTYLY WITH NEONATAL CHONDRODYSTROPHY, TYPE I; SHORT-RIB THORACIC DYSPLASIA 3/6 WITH POLYDACTYLY, DIGENIC; Short rib polydactyly syndrome 2B; Saldino-Noonan Syndrome. Identifiers: Orphanet 474, Orphanet 93269, Orphanet 93270, Orphanet 93271, MedGen C0036069, MONDO:0013127, OMIM 613091.

Submissions (2):

Myriad Genetics, Inc.
Classification: Pathogenic for Asphyxiating thoracic dystrophy 3. Last evaluated: 2025-10-28. Review status: criteria provided, single submitter. Criteria: Myriad Autosomal Dominant, Autosomal Recessive and X-Linked Classification Criteria (2023). Collection method: clinical testing. Allele origin: unknown.
Comment: NM_001377.2(DYNC2H1):c.2105delA(K702Rfs*6) is a frameshift variant classified as pathogenic in the context of DYNC2H1-related disorders. K702Rfs*6 has not been observed in cases with relevant disease. Relevant functional assessments of this variant are not available in the literature. K702Rfs*6 has not been observed in referenced population frequency databases. In summary, NM_001377.2(DYNC2H1):c.2105delA(K702Rfs*6) is a frameshift variant in a gene where loss of function is a known mechanism of disease and is predicted to disrupt protein function. Please note: this variant was assessed in the context of healthy population screening.

Fulgent Genetics
Classification: Likely pathogenic for Asphyxiating thoracic dystrophy 3. Last evaluated: 2024-01-02. Review status: criteria provided, single submitter. Criteria: ACMG Guidelines, 2015. Collection method: clinical testing. Allele origin: germline.